The following is an entry in ClinVar:

NM_032119.4(ADGRV1):c.17182_17184del (p.Thr5728del)

Gene: ADGRV1 (adhesion G protein-coupled receptor V1; plus strand). Cytogenetic location: 5q14.3.
Variant type: Deletion.
Coding change: c.17182_17184del on transcript NM_032119.4 (MANE Select); coding-DNA positions 17182 to 17184, 3 bases deleted (ACT; older notation c.17182_17184delACT).
Protein change: p.Thr5728del; deletes threonine 5728.
Molecular consequence: inframe deletion. On other transcripts: non-coding transcript variant (1).
Genome position (GRCh38, 1-based): chr5:90,848,799-90,848,801, ACT deleted; deleting any 3 consecutive bases within chr5:90,848,798-90,848,801 gives the same sequence; the c. name uses the placement nearest the transcript's 3' end. VCF-style (leftmost placement, unchanged base first): chr5-90848797-TTAC-T. GRCh37 (hg19) VCF-style: chr5-90144614-TTAC-T.
Other names: short protein forms T5728del.
Identifiers: ClinVar variation 2020364 (VCV002020364.4), dbSNP rs2532502619, ClinGen allele CA2580073761.
Genomic context (GRCh38, chr5:90,848,797, plus strand): 5'-GGGGATTCAGTCACTTTGCTGAAGTGACTGAGAATTTTGCCTTTTCTCTGCTGACTAATG[TTAC>T]TTGCGGCTCTCCTGGTGAAAAGTAAGTATCTTTTAATATATTAGCAGTACCTTTTATGCA-3'

ClinVar aggregate classification (germline): Uncertain significance (1 of 4 stars; one submission).

Submission:

Labcorp Genetics (formerly Invitae), Labcorp
Classification: Uncertain significance. Last evaluated: 2022-07-29. Review status: criteria provided, single submitter. Criteria: Invitae Variant Classification Sherloc (09022015). Collection method: clinical testing. Allele origin: germline.
Comment: This variant is not present in population databases (gnomAD no frequency). This variant, c.17182_17184del, results in the deletion of 1 amino acid(s) of the ADGRV1 protein (p.Thr5728del), but otherwise preserves the integrity of the reading frame. This variant has not been reported in the literature in individuals affected with ADGRV1-related conditions. Experimental studies and prediction algorithms are not available or were not evaluated, and the functional significance of this variant is currently unknown. In summary, the available evidence is currently insufficient to determine the role of this variant in disease. Therefore, it has been classified as a Variant of Uncertain Significance.